The following is an entry in ClinVar:

NM_018161.5(NADSYN1):c.1765-7T>A

Gene: NADSYN1 (NAD synthetase 1; plus strand). Cytogenetic location: 11q13.4.
Variant type: single nucleotide variant.
Coding change: c.1765-7T>A on transcript NM_018161.5 (MANE Select); 7 bases into the intron before coding-DNA position 1765, T replaced by A.
Molecular consequence: intron variant.
Genome position (GRCh38, 1-based): chr11:71,497,476, T>A. VCF-style: chr11-71497476-T-A. GRCh37 (hg19) VCF-style: chr11-71208522-T-A.
Other names: c.1765-7T>A (NM_018161.4).
Identifiers: ClinVar variation 2442205 (VCV002442205.16), dbSNP rs369264749, ClinGen allele CA6163659.

ClinVar aggregate classification (germline): Conflicting classifications of pathogenicity. Review status: criteria provided, conflicting classifications (1 of 4 stars). 3 submissions from 3 submitters: Likely pathogenic (1); Uncertain significance (1). 1 of the submissions does not count toward it. Last evaluated 2023-05-10.

Conditions:
NADSYN1-related disorder. Also called: NADSYN1-related condition.
Vertebral, cardiac, renal, and limb defects syndrome 3. Also called: CONGENITAL NAD DEFICIENCY DISORDER 3. Identifiers: MedGen C5394250, MONDO:0030077, OMIM 618845.

Allele frequency attached by ClinVar (database versions not stated): 1000 Genomes Project 30x 0.00016; 1000 Genomes Project 0.00020; TOPMed 0.00020; gnomAD 0.00021; ESP Exome Variant Server 0.00023; ExAC 0.00031.
gnomAD v4.1: 676 of 1,614,090 alleles (0.042%); highest among the groups gnomAD compares: South Asian, 0.16%; 1 homozygote.

Submissions (3):

Embryology Laboratory, Victor Chang Cardiac Research Institute
Classification: Likely pathogenic for Vertebral, cardiac, renal, and limb defects syndrome 3. Last evaluated: 2023-05-10. Review status: criteria provided, single submitter. Criteria: ACMG Guidelines, 2015. Collection method: research. Allele origin: paternal. Inheritance: Autosomal recessive inheritance. Affected: yes. Observed: 1 compound heterozygote.
Comment: This variant was found in compound heterozygosity with the likely pathogenic variant c.1088C>T.

Baylor Genetics
Classification: Uncertain significance for Vertebral, cardiac, renal, and limb defects syndrome 3. Last evaluated: 2021-03-03. Review status: criteria provided, single submitter. Criteria: ACMG Guidelines, 2015. Collection method: clinical testing. Allele origin: unknown.

PreventionGenetics, part of Exact Sciences
Classification: Likely benign for NADSYN1-related condition. Last evaluated: 2023-10-23. Review status: no assertion criteria provided. Collection method: clinical testing. Allele origin: germline. Not counted in ClinVar's aggregate classification.
Comment: This variant is classified as likely benign based on ACMG/AMP sequence variant interpretation guidelines (Richards et al. 2015 PMID: 25741868, with internal and published modifications).